The following is an entry in ClinVar:

ClinVar aggregate classification (germline): Uncertain significance (1 of 4 stars; one submission).

Conditions:
Inborn genetic diseases. Identifiers: MedGen C0950123, MeSH D030342.

gnomAD v4.1: 50 of 1,613,898 alleles (0.0031%); highest among the groups gnomAD compares: Middle Eastern, 0.033%; 1 homozygote.

Submission:

Ambry Genetics
Classification: Uncertain significance for Inborn genetic diseases. Last evaluated: 2020-12-28. Review status: criteria provided, single submitter. Criteria: Ambry Variant Classification Scheme 2023. Collection method: clinical testing. Allele origin: germline.
Comment: The c.1789C>T (p.R597W) alteration is located in exon 15 (coding exon 15) of the TRMT1 gene. This alteration results from a C to T substitution at nucleotide position 1789, causing the arginine (R) at amino acid position 597 to be replaced by a tryptophan (W). The p.R597W alteration is predicted to be tolerated by in silico analysis. Based on insufficient or conflicting evidence, the clinical significance of this alteration remains unclear.

NM_001136035.4(TRMT1):c.1789C>T (p.Arg597Trp)

Gene: TRMT1 (tRNA methyltransferase 1; minus strand). Cytogenetic location: 19p13.13.
Variant type: single nucleotide variant.
Coding change: c.1789C>T on transcript NM_001136035.4 (MANE Select); coding-DNA position 1789, C replaced by T.
Protein change: p.Arg597Trp; replaces arginine 597 with tryptophan.
Molecular consequence: missense variant.
Genome position (GRCh38, 1-based): chr19:13,105,311, G>A on the plus strand (C>T on the coding strand, the complement: TRMT1 is on the minus strand). VCF-style: chr19-13105311-G-A. GRCh37 (hg19) VCF-style: chr19-13216125-G-A.
Other names: c.1702C>T, p.Arg568Trp (NM_001142554.3, NM_001351760.2); c.1681C>T, p.Arg561Trp (NM_001351761.2); c.1006C>T, p.Arg336Trp (NM_001351762.2); c.1789C>T, p.Arg597Trp (NM_017722.5); short protein forms R568W, R597W, R336W, R561W.
Identifiers: ClinVar variation 2346125 (VCV002346125.2), dbSNP rs201873417, ClinGen allele CA9237496.
Genomic context (GRCh38, chr19:13,105,311, plus strand): 5'-GGAGGAGGGACCTCACCTCCTTAAACCTCTTGCAAGGAAATGTCTTGAGCCGGGCAGCCC[G>A]CTGGGCCACATCTTCCGGCGGCTCCTTCCGCTTGTTCTGAAGCAGCCTGCGTCTCTCCTC-3'
Protein context (NP_001129507.1, residues 587-607): RKEPPEDVAQ[Arg597Trp]AARLKTFPCK